The following is an entry in ClinVar:

NM_000070.3(CAPN3):c.2264-5C>G

Gene: CAPN3 (calpain 3; plus strand). Cytogenetic location: 15q15.1.
Variant type: single nucleotide variant.
Coding change: c.2264-5C>G on transcript NM_000070.3 (MANE Select); 5 bases into the intron before coding-DNA position 2264, C replaced by G.
Molecular consequence: intron variant.
Genome position (GRCh38, 1-based): chr15:42,410,879, C>G. VCF-style: chr15-42410879-C-G. GRCh37 (hg19) VCF-style: chr15-42703077-C-G.
Other names: c.2246-5C>G (NM_024344.2); c.1988-5C>G (NM_173087.2); c.728-5C>G (NM_173088.2); c.269-5C>G (NM_173090.2, NM_173089.2).
Identifiers: ClinVar variation 2160436 (VCV002160436.4), dbSNP rs1158597580, ClinGen allele CA617609448.
Genomic context (GRCh38, chr15:42,410,879, plus strand): 5'-GAAAATAGAAGGCAGGCCCAAGGCCTCCAGCTCCACGTCCACCTCTAACATGGTCCCCTC[C>G]ACAGGATTCCACCTCAACAACCAGCTCTATGACATCATTACCATGCGGTACGCAGACAAA-3'

ClinVar aggregate classification (germline): Uncertain significance. Review status: criteria provided, multiple submitters, no conflicts (2 of 4 stars). 2 submissions from 2 submitters: Uncertain significance (2). Last evaluated 2024-11-04.

Conditions:
Autosomal recessive limb-girdle muscular dystrophy. Identifiers: Orphanet 102015, MedGen C2931907, MONDO:0015152.
Autosomal recessive limb-girdle muscular dystrophy type 2A (LGMDR1). Also called: Muscular dystrophy, limb-girdle, type 2A, Amish; LEYDEN-MOEBIUS MUSCULAR DYSTROPHY; MUSCULAR DYSTROPHY, PELVOFEMORAL; Limb-girdle muscular dystrophy, type 2A; Calpainopathy. Identifiers: Orphanet 267, MedGen C1869123, MONDO:0009675, OMIM 253600. Disease mechanism: loss of function.

Allele frequency attached by ClinVar (database versions not stated): gnomAD exomes 0.00001; TOPMed 0.00001.
gnomAD v4.1: 7 of 1,610,752 alleles (0.00043%); highest among the groups gnomAD compares: Non-Finnish European, 0.00059%; no homozygotes.

Submissions (2):

Molecular Genetics, Royal Melbourne Hospital
Classification: Uncertain significance for Autosomal recessive limb-girdle muscular dystrophy. Last evaluated: 2024-11-04. Review status: criteria provided, single submitter. Criteria: ACMG Guidelines, 2015. Collection method: clinical testing. Allele origin: germline. Inheritance: Autosomal recessive inheritance. Affected: yes.
Comment: This sequence change in CAPN3 is an intronic variant located in intron 22. The results from an in silico splicing predictor (SpliceAI) indicate that this variant may impact splicing by activating a cryptic acceptor splice site of intron 22. RNA assays have not been conducted to confirm this prediction. The highest population minor allele frequency in the population database gnomAD v4.1 is 0.0006% (7/1,176,876 alleles) in the African/African American population, consistent with recessive disease. To our knowledge, this variant has not been previously reported in the relevant scientific literature. This variant has been detected with a pathogenic variant in an individual with a phenotype consistent with calpainopathy (Invitae personal communication). Based on the classification scheme RMH Modified ACMG/AMP Guidelines v1.7.0, this variant is classified as a VARIANT OF UNCERTAIN SIGNIFICANCE. Following criteria are met: PM2_Supporting, PM3_Supporting, PP3.

Labcorp Genetics (formerly Invitae), Labcorp
Classification: Uncertain significance for Autosomal recessive limb-girdle muscular dystrophy type 2A. Last evaluated: 2024-10-15. Review status: criteria provided, single submitter. Criteria: Invitae Variant Classification Sherloc (09022015). Collection method: clinical testing. Allele origin: germline.
Comment: This sequence change falls in intron 21 of the CAPN3 gene. It does not directly change the encoded amino acid sequence of the CAPN3 protein. This variant is present in population databases (no rsID available, gnomAD 0.0009%). This variant has not been reported in the literature in individuals affected with CAPN3-related conditions. ClinVar contains an entry for this variant (Variation ID: 2160436). Algorithms developed to predict the effect of sequence changes on RNA splicing suggest that this variant may create or strengthen a splice site. In summary, the available evidence is currently insufficient to determine the role of this variant in disease. Therefore, it has been classified as a Variant of Uncertain Significance.